The following is an entry in ClinVar:

NM_015192.4(PLCB1):c.1319C>A (p.Pro440His)

Gene: PLCB1 (phospholipase C beta 1; plus strand). Cytogenetic location: 20p12.3.
Variant type: single nucleotide variant.
Coding change: c.1319C>A on transcript NM_015192.4 (MANE Select); coding-DNA position 1319, C replaced by A.
Protein change: p.Pro440His; replaces proline 440 with histidine.
Molecular consequence: missense variant.
Genome position (GRCh38, 1-based): chr20:8,716,332, C>A. VCF-style: chr20-8716332-C-A. GRCh37 (hg19) VCF-style: chr20-8696979-C-A.
Other names: c.1319C>A, p.Pro440His (NM_182734.3); short protein forms P440H.
Identifiers: ClinVar variation 2051573 (VCV002051573.3), dbSNP rs2515268782, ClinGen allele CA408200310.

ClinVar aggregate classification (germline): Uncertain significance (1 of 4 stars; one submission).

Conditions:
Developmental and epileptic encephalopathy, 12 (DEE12). Identifiers: MedGen C3150988, MONDO:0013389, OMIM 613722.

Submission:

Labcorp Genetics (formerly Invitae), Labcorp
Classification: Uncertain significance for Developmental and epileptic encephalopathy, 12. Last evaluated: 2022-02-28. Review status: criteria provided, single submitter. Criteria: Invitae Variant Classification Sherloc (09022015). Collection method: clinical testing. Allele origin: germline.
Comment: In summary, the available evidence is currently insufficient to determine the role of this variant in disease. Therefore, it has been classified as a Variant of Uncertain Significance. This sequence change replaces proline, which is neutral and non-polar, with histidine, which is basic and polar, at codon 440 of the PLCB1 protein (p.Pro440His). This variant is not present in population databases (gnomAD no frequency). This variant has not been reported in the literature in individuals affected with PLCB1-related conditions. Algorithms developed to predict the effect of missense changes on protein structure and function are either unavailable or do not agree on the potential impact of this missense change (SIFT: "Deleterious"; PolyPhen-2: "Probably Damaging"; Align-GVGD: "Class C0").